The following is an entry in ClinVar:

NM_003000.3(SDHB):c.631G>C (p.Val211Leu)

Gene: SDHB (succinate dehydrogenase complex iron sulfur subunit B; minus strand). Cytogenetic location: 1p36.13.
Variant type: single nucleotide variant.
Coding change: c.631G>C on transcript NM_003000.3 (MANE Select); coding-DNA position 631, G replaced by C.
Protein change: p.Val211Leu; replaces valine 211 with leucine.
Molecular consequence: missense variant.
Genome position (GRCh38, 1-based): chr1:17,023,984, C>G on the plus strand (G>C on the coding strand, the complement: SDHB is on the minus strand). VCF-style: chr1-17023984-C-G. GRCh37 (hg19) VCF-style: chr1-17350479-C-G.
Other names: short protein forms V211L.
Identifiers: ClinVar variation 1346869 (VCV001346869.11), dbSNP rs2077977582, ClinGen allele CA338270944.
Genomic context (GRCh38, chr1:17,023,984, plus strand): 5'-TGGATGCTTGAGTTTCAATTTCTCTTAAAGCAATTAAGGAGCACCTCACCTGCATAAGAA[C>G]TGCAGGCCCCAGATATTTGTCTCCGTTCCACCAGTAGCTGGGGCAGCTGGTGCTACAGCA-3'
Protein context (NP_002991.2, residues 201-221): WNGDKYLGPA[Val211Leu]LMQAYRWMID

ClinVar aggregate classification (germline): Uncertain significance. Review status: criteria provided, multiple submitters, no conflicts (2 of 4 stars). 2 submissions from 2 submitters: Uncertain significance (2). Last evaluated 2026-04-03.

Conditions:
Gastrointestinal stromal tumor. Also called: Gastrointestinal stroma tumor; Gastrointestinal stromal tumor, somatic. Identifiers: Orphanet 44890, MedGen C0238198, MeSH D046152, MONDO:0011719, OMIM 606764, HP:0100723.
Pheochromocytoma/paraganglioma syndrome 4. Also called: SDHB-Related Hereditary Paraganglioma-Pheochromocytoma Syndrome (Paragangliomas 4); Paragangliomas 4; SDHB-Related Hereditary Paraganglioma-Pheochromocytoma Syndrome; CAROTID BODY TUMORS AND MULTIPLE EXTRAADRENAL PHEOCHROMOCYTOMAS; PARAGANGLIOMA, FAMILIAL MALIGNANT; PARAGANGLIOMAS, HEREDITARY EXTRAADRENAL. Identifiers: Orphanet 29072, MedGen C1861848, MONDO:0007273, OMIM 115310.
Pheochromocytoma. Also called: MAX-Related Hereditary Paraganglioma-Pheochromocytoma Syndrome. Identifiers: Orphanet 29072, MedGen C0031511, MONDO:0008233, OMIM 171300, HP:0002666.
Hereditary cancer-predisposing syndrome. Also called: Tumor predisposition; Hereditary Cancer Syndrome; Neoplastic Syndromes, Hereditary; Hereditary neoplastic syndrome. Identifiers: Orphanet 140162, MedGen C0027672, MeSH D009386, MONDO:0015356.

Submissions (2):

Ambry Genetics
Classification: Uncertain significance for Hereditary cancer-predisposing syndrome. Last evaluated: 2026-04-03. Review status: criteria provided, single submitter. Criteria: Ambry Variant Classification Scheme 2023. Collection method: clinical testing. Allele origin: germline.
Comment: The p.V211L variant (also known as c.631G>C), located in coding exon 6 of the SDHB gene, results from a G to C substitution at nucleotide position 631. The valine at codon 211 is replaced by leucine, an amino acid with highly similar properties. This amino acid position is highly conserved in available vertebrate species. In addition, this alteration is predicted to be deleterious by in silico analysis. Based on the available evidence, the clinical significance of this variant remains unclear.

Labcorp Genetics (formerly Invitae), Labcorp
Classification: Uncertain significance for Gastrointestinal stromal tumor; Pheochromocytoma/paraganglioma syndrome 4; Pheochromocytoma. Last evaluated: 2021-05-28. Review status: criteria provided, single submitter. Criteria: Invitae Variant Classification Sherloc (09022015). Collection method: clinical testing. Allele origin: germline.
Comment: Advanced modeling of protein sequence and biophysical properties (such as structural, functional, and spatial information, amino acid conservation, physicochemical variation, residue mobility, and thermodynamic stability) performed at Invitae indicates that this missense variant is expected to disrupt SDHB protein function. This variant has not been reported in the literature in individuals with SDHB-related conditions. This variant is not present in population databases (ExAC no frequency). This sequence change replaces valine with leucine at codon 211 of the SDHB protein (p.Val211Leu). The valine residue is highly conserved and there is a small physicochemical difference between valine and leucine. In summary, the available evidence is currently insufficient to determine the role of this variant in disease. Therefore, it has been classified as a Variant of Uncertain Significance.